The following is an entry in ClinVar:

NM_024675.4(PALB2):c.3235G>T (p.Ala1079Ser)

Gene: PALB2 (partner and localizer of BRCA2; minus strand). Cytogenetic location: 16p12.2.
Variant type: single nucleotide variant.
Coding change: c.3235G>T on transcript NM_024675.4 (MANE Select); coding-DNA position 3235, G replaced by T.
Protein change: p.Ala1079Ser; replaces alanine 1079 with serine.
Molecular consequence: missense variant.
Genome position (GRCh38, 1-based): chr16:23,607,979, C>A on the plus strand (G>T on the coding strand, the complement: PALB2 is on the minus strand). VCF-style: chr16-23607979-C-A. GRCh37 (hg19) VCF-style: chr16-23619300-C-A.
Other names: p.A1079S:GCC>TCC; p.Ala1079Ser; short protein forms A1079S.
Identifiers: ClinVar variation 182756 (VCV000182756.49), dbSNP rs730881878, ClinGen allele CA299697.

ClinVar aggregate classification (germline): Conflicting classifications of pathogenicity. Review status: criteria provided, conflicting classifications (1 of 4 stars). 12 submissions from 12 submitters: Uncertain significance (9); Benign (1); Likely benign (1). 1 of the submissions does not count toward it. Last evaluated 2025-12-06.

Conditions:
Breast-ovarian cancer, familial, susceptibility to, 5 (BROVCA5). Identifiers: MedGen C5830615, MONDO:0957530, OMIM 620442.
Hereditary cancer-predisposing syndrome. Also called: Tumor predisposition; Hereditary Cancer Syndrome; Hereditary neoplastic syndrome; Neoplastic Syndromes, Hereditary. Identifiers: Orphanet 140162, MedGen C0027672, MeSH D009386, MONDO:0015356.
Familial cancer of breast. Also called: BREAST CANCER, FAMILIAL; Hereditary breast cancer; hereditary breast carcinoma. Identifiers: Orphanet 227535, MedGen C0346153, MONDO:0016419, OMIM 114480. Disease mechanism: loss of function.

Allele frequency attached by ClinVar (database versions not stated): gnomAD exomes 0.00001; gnomAD 0.00003; TOPMed 0.00004.
gnomAD v4.1: 21 of 1,613,936 alleles (0.0013%); highest among the groups gnomAD compares: Non-Finnish European, 0.0017%; no homozygotes.

Submissions (12):

Labcorp Genetics (formerly Invitae), Labcorp
Classification: Uncertain significance for Familial cancer of breast. Last evaluated: 2025-12-06. Review status: criteria provided, single submitter. Criteria: Invitae Variant Classification Sherloc (09022015). Collection method: clinical testing. Allele origin: germline.
Comment: This sequence change replaces alanine, which is neutral and non-polar, with serine, which is neutral and polar, at codon 1079 of the PALB2 protein (p.Ala1079Ser). This variant is not present in population databases (gnomAD no frequency). This missense change has been observed in individual(s) with breast cancer, myelosarcoma, and/or ovarian cancer (PMID: 26564480, 32546565, 34382369). ClinVar contains an entry for this variant (Variation ID: 182756). An algorithm developed to predict the effect of missense changes on protein structure and function (PolyPhen-2) suggests that this variant is likely to be tolerated. In summary, the available evidence is currently insufficient to determine the role of this variant in disease. Therefore, it has been classified as a Variant of Uncertain Significance.

Color Diagnostics, LLC DBA Color Health
Classification: Uncertain significance for Hereditary cancer-predisposing syndrome. Last evaluated: 2025-01-21. Review status: criteria provided, single submitter. Criteria: ACMG Guidelines, 2015. Collection method: clinical testing. Allele origin: germline.
Comment: This missense variant replaces alanine with serine at codon 1079 of the PALB2 protein. Computational prediction suggests that this variant may not impact protein structure and function. To our knowledge, controlled functional studies have not been reported for this variant. This variant has been reported in individuals affected with breast cancer (PMID: 26564480, 28779002) and ovarian cancer (PMID: 32546565). This variant has been detected in a breast cancer case-control meta-analysis in 6/60466 cases and 1/53461 unaffected individuals (PMID: 33471991; Leiden Open Variation Database DB-ID PALB2_010612). This variant has not been identified in the general population by the Genome Aggregation Database (gnomAD). The available evidence is insufficient to determine the role of this variant in disease conclusively. Therefore, this variant is classified as a Variant of Uncertain Significance.

Myriad Genetics, Inc.
Classification: Benign for Familial cancer of breast. Last evaluated: 2025-01-21. Review status: criteria provided, single submitter. Criteria: Myriad Autosomal Dominant, Autosomal Recessive and X-Linked Classification Criteria (2023). Collection method: clinical testing. Allele origin: unknown.
Comment: This variant is considered benign. This variant has been observed in trans with a known pathogenic variant in one or more individuals lacking clinical features consistent with gene-specific recessive disease. This variant is strongly associated with less severe personal and family histories of cancer, typical for individuals without pathogenic variants in this gene [PMID: 25085752].

Ambry Genetics
Classification: Likely benign for Hereditary cancer-predisposing syndrome. Last evaluated: 2024-10-28. Review status: criteria provided, single submitter. Criteria: Ambry Variant Classification Scheme 2023. Collection method: clinical testing. Allele origin: germline.

Baylor Genetics
Classification: Uncertain significance for Familial cancer of breast. Last evaluated: 2024-03-29. Review status: criteria provided, single submitter. Criteria: ACMG Guidelines, 2015. Collection method: clinical testing. Allele origin: unknown.

Quest Diagnostics Nichols Institute San Juan Capistrano
Classification: Uncertain significance. Last evaluated: 2023-10-24. Review status: criteria provided, single submitter. Criteria: Quest Diagnostics criteria. Collection method: clinical testing. Allele origin: unknown.
Comment: The PALB2 c.3235G>T (p.Ala1079Ser) variant has been reported in the published literature in individuals with breast cancer (PMIDs: 28779002 (2017), 26564480 (2015)), ovarian cancer (PMID: 32546565 (2021)), and myelosarcoma (PMID: 34382369 (2021)). This variant has also been observed in several breast cancer cases as well as in one control individual in a breast cancer association study (PMID: 33471991 (2021), see also LOVD). The frequency of this variant in the general population, 0.000059 (4/68032 chromosomes (Genome Aggregation Database)), is uninformative in the assessment of its pathogenicity. Analysis of this variant using bioinformatics tools for the prediction of the effect of amino acid changes on protein structure and function yielded predictions that this variant is benign. Based on the available information, we are unable to determine the clinical significance of this variant.

Women's Health and Genetics/Laboratory Corporation of America, LabCorp
Classification: Uncertain significance. Last evaluated: 2023-03-27. Review status: criteria provided, single submitter. Criteria: LabCorp Variant Classification Summary - May 2015. Collection method: clinical testing. Allele origin: germline.
Comment: Variant summary: PALB2 c.3235G>T (p.Ala1079Ser) results in a conservative amino acid change located in the Partner and localiser of BRCA2, WD40 domain (IPR031920) of the encoded protein sequence. Five of five in-silico tools predict a benign effect of the variant on protein function. The variant was absent in 251472 control chromosomes (gnomAD). The available data on variant occurrences in the general population are insufficient to allow any conclusion about variant significance. c.3235G>T has been reported in the literature in individuals affected with Breast Cancer (e.g. Damiola_2015, Dorling_2021) and acute myelogenous leukaemia (Beer_2021) without evidence for causality, and also in unaffected controls (Dorling_2021). These reports do not provide unequivocal conclusions about association of the variant with Breast Cancer. To our knowledge, no experimental evidence demonstrating an impact on protein function has been reported. Six ClinVar submitters have assessed the variant since 2014: all six classified the variant as uncertain significance. Based on the evidence outlined above, the variant was classified as uncertain significance.

GeneDx
Classification: Uncertain significance. Last evaluated: 2023-03-03. Review status: criteria provided, single submitter. Criteria: GeneDx Variant Classification Process June 2021. Collection method: clinical testing. Allele origin: germline. Affected: yes.
Comment: Observed in individuals with breast cancer and also in unaffected controls (Damiola et al., 2015; Decker et al., 2017; Dorling et al., 2021); Observed in a child with myeloid sarcoma, and a fibroblast sample from this patient demonstrated increased sensitivity to radiation and DNA damaging agents (Beer et al., 2021); Not observed at significant frequency in large population cohorts (gnomAD); In silico analysis supports that this missense variant does not alter protein structure/function; This variant is associated with the following publications: (PMID: 28779002, 24485656, 19609323, 20871615, 33471991, 26564480, 34382369)

Mayo Clinic Laboratories, Mayo Clinic
Classification: Uncertain significance. Last evaluated: 2022-11-15. Review status: criteria provided, single submitter. Criteria: ACMG Guidelines, 2015. Collection method: clinical testing. Allele origin: germline. Observed: 1 variant allele.
Comment: BP4, PM2

Department of Pathology and Laboratory Medicine, Sinai Health System
Classification: Uncertain significance for Breast-ovarian cancer, familial, susceptibility to, 5. Last evaluated: 2021-07-23. Review status: criteria provided, single submitter. Criteria: ACMG Guidelines, 2015. Collection method: clinical testing. Allele origin: germline. Affected: yes.

Institute of Human Genetics, University of Leipzig Medical Center
Classification: Uncertain significance for Familial cancer of breast. Last evaluated: 2018-11-26. Review status: criteria provided, single submitter. Criteria: ACMG Guidelines, 2015. Collection method: clinical testing. Allele origin: germline. Affected: yes. Observed: 1 variant allele.

Hauer Lab, Department Of Pediatric Oncology, Technical University Munich
Classification: Likely pathogenic for Hereditary cancer-predisposing syndrome. Review status: no assertion criteria provided. Collection method: research. Allele origin: germline. Affected: yes. Not counted in ClinVar's aggregate classification.

Literature cited by the submitters: PubMed 26564480 (cited by 5 submitters); PubMed 32546565 (cited by 4 submitters); PubMed 34382369 (cited by 4 submitters); PubMed 28779002 (cited by 4 submitters); PubMed 33471991 (cited by 4 submitters); PubMed 25085752 (cited by Myriad Genetics, Inc.); PubMed 29338072 (cited by Quest Diagnostics Nichols Institute San Juan Capistrano).